The following is an entry in ClinVar:

NM_001165963.4(SCN1A):c.229del (p.Leu77fs)

Gene: SCN1A (sodium voltage-gated channel alpha subunit 1; minus strand). Cytogenetic location: 2q24.3.
Variant type: Deletion.
Coding change: c.229del on transcript NM_001165963.4 (MANE Select); coding-DNA position 229, one base deleted (C; older notation c.229delC).
Protein change: p.Leu77fs; shifts the reading frame from leucine 77.
Molecular consequence: frameshift variant. On other transcripts: 5 prime UTR variant (1), non-coding transcript variant (1).
Genome position (GRCh38, 1-based): chr2:166,073,393, G deleted on the plus strand (C on the coding strand, the reverse complement: SCN1A is on the minus strand); the first of 4 consecutive G bases (chr2:166,073,393-166,073,396); deleting any one gives the same sequence. VCF-style (leftmost placement, unchanged base first): chr2-166073392-AG-A. GRCh37 (hg19) VCF-style: chr2-166929902-AG-A.
Other names: c.229del, p.Leu77fs (NM_001165964.3, NM_001202435.3, NM_001353948.2 and 10 more transcripts); c.-2197del (NM_001353961.2); short protein forms L77fs.
Identifiers: ClinVar variation 2696122 (VCV002696122.3), dbSNP rs2468364376, ClinGen allele CA2697551269.

ClinVar aggregate classification (germline): Pathogenic (1 of 4 stars; one submission).

Conditions:
Early-infantile DEE. Also called: Ohtahara syndrome; Early infantile epileptic encephalopathy with suppression bursts; Early infantile epileptic encephalopathy. Identifiers: Orphanet 1934, MedGen C0393706, MONDO:0800491.

Submission:

Labcorp Genetics (formerly Invitae), Labcorp
Classification: Pathogenic for Early-infantile DEE. Last evaluated: 2023-11-15. Review status: criteria provided, single submitter. Criteria: Invitae Variant Classification Sherloc (09022015). Collection method: clinical testing. Allele origin: germline.
Comment: This sequence change creates a premature translational stop signal (p.Leu77Trpfs*15) in the SCN1A gene. It is expected to result in an absent or disrupted protein product. Loss-of-function variants in SCN1A are known to be pathogenic (PMID: 17347258, 18930999). This variant is not present in population databases (gnomAD no frequency). This variant has not been reported in the literature in individuals affected with SCN1A-related conditions. For these reasons, this variant has been classified as Pathogenic.

Literature cited by the submitters: PubMed 17347258; PubMed 18930999.